The following is an entry in ClinVar:

ClinVar aggregate classification (germline): Conflicting classifications of pathogenicity. Review status: criteria provided, conflicting classifications (1 of 4 stars). 18 submissions from 18 submitters: Uncertain significance (13); Likely benign (2). 3 of the submissions do not count toward it. Last evaluated 2026-01-28.

Conditions:
PALB2-related disorder. Also called: PALB2-related condition; PALB2-related disorders.
Breast-ovarian cancer, familial, susceptibility to, 5 (BROVCA5). Identifiers: MedGen C5830615, MONDO:0957530, OMIM 620442.
Hereditary cancer-predisposing syndrome. Also called: Neoplastic Syndromes, Hereditary; Hereditary Cancer Syndrome; Hereditary neoplastic syndrome; Tumor predisposition. Identifiers: Orphanet 140162, MedGen C0027672, MeSH D009386, MONDO:0015356.
Familial cancer of breast. Also called: Hereditary breast cancer; hereditary breast carcinoma; BREAST CANCER, FAMILIAL. Identifiers: Orphanet 227535, MedGen C0346153, MONDO:0016419, OMIM 114480. Disease mechanism: loss of function.
Pancreatic cancer, susceptibility to, 3. Identifiers: Orphanet 1333, MedGen C3150547, MONDO:0013236, OMIM 613348.
Fanconi anemia complementation group N. Also called: PALB2-Related Fanconi Anemia. Identifiers: Orphanet 84, MedGen C1835817, MONDO:0012565, OMIM 610832. Disease mechanism: loss of function.
Malignant tumor of breast. Also called: Malignant breast neoplasm; Cancer breast. Identifiers: MedGen C0006142, MONDO:0007254. Disease mechanism: loss of function.

Allele frequency attached by ClinVar (database versions not stated): ExAC 0.00001; gnomAD exomes 0.00001 and 0.00002; gnomAD 0.00003; TOPMed 0.00003; ESP Exome Variant Server 0.00008.

Submissions 1 to 13 of 18:

Labcorp Genetics (formerly Invitae), Labcorp
Classification: Uncertain significance for Familial cancer of breast. Last evaluated: 2026-01-28. Review status: criteria provided, single submitter. Criteria: Invitae Variant Classification Sherloc (09022015). Collection method: clinical testing. Allele origin: germline.
Comment: This sequence change replaces methionine, which is neutral and non-polar, with threonine, which is neutral and polar, at codon 1049 of the PALB2 protein (p.Met1049Thr). This variant is present in population databases (rs138273800, gnomAD 0.004%). This missense change has been observed in individual(s) with breast cancer (PMID: 26283626, 26315354, 26580448). ClinVar contains an entry for this variant (Variation ID: 141785). Invitae Evidence Modeling of protein sequence and biophysical properties (such as structural, functional, and spatial information, amino acid conservation, physicochemical variation, residue mobility, and thermodynamic stability) indicates that this missense variant is expected to disrupt PALB2 protein function with a positive predictive value of 80%. In summary, the available evidence is currently insufficient to determine the role of this variant in disease. Therefore, it has been classified as a Variant of Uncertain Significance.

Center for Genomic Medicine, Rigshospitalet, Copenhagen University Hospital
Classification: Uncertain significance. Last evaluated: 2025-12-29. Review status: criteria provided, single submitter. Criteria: ACMG Guidelines, 2015. Collection method: clinical testing. Allele origin: germline.
Comment: Classification criteria: BP1

GeneDx
Classification: Uncertain significance. Last evaluated: 2025-09-30. Review status: criteria provided, single submitter. Criteria: GeneDx Variant Classification Process June 2021. Collection method: clinical testing. Allele origin: germline. Affected: yes.
Comment: Observed in individuals with a personal or family history of osteosarcoma, breast, or ovarian cancer (PMID: 26283626, 26580448, 26315354); In silico analysis supports that this missense variant has a deleterious effect on protein structure/function; This variant is associated with the following publications: (PMID: 26580448, 26283626, 26315354, 24485656, 19609323, 20871615, 33471991, 25085752, 36627197)

Color Diagnostics, LLC DBA Color Health
Classification: Uncertain significance for Hereditary cancer-predisposing syndrome. Last evaluated: 2025-04-14. Review status: criteria provided, single submitter. Criteria: ACMG Guidelines, 2015. Collection method: clinical testing. Allele origin: germline.
Comment: This missense variant replaces methionine with threonine at codon 1049 of the PALB2 protein. Computational prediction suggests that this variant may not impact protein structure and function. To our knowledge, functional studies have not been reported for this variant. This variant has been reported in one individual each affected with breast cancer (PMID: 26283626), ovarian cancer (PMID: 26315354) and osteosarcoma (PMID: 26580448), respectively. This variant has been detected in a breast cancer case-control meta-analysis in 1/60466 cases and 4/53461 unaffected individuals (PMID: 33471991; Leiden Open Variation Database DB-ID PALB2_010778). This variant has been identified in 6/282634 chromosomes in the general population by the Genome Aggregation Database (gnomAD). The available evidence is insufficient to determine the role of this variant in disease conclusively. Therefore, this variant is classified as a Variant of Uncertain Significance.

Quest Diagnostics Nichols Institute San Juan Capistrano
Classification: Uncertain significance. Last evaluated: 2025-03-19. Review status: criteria provided, single submitter. Criteria: Quest Diagnostics criteria. Collection method: clinical testing. Allele origin: unknown.
Comment: The PALB2 c.3146T>C (p.Met1049Thr) variant has been reported in the published literature in individuals with breast and/or ovarian cancer (PMIDs: 26283626 (2015), 26315354 (2015), and 32885271 (2021)), osteosarcoma (PMID: 26580448 (2015)), as well as in a breast cancer case and reportedly healthy individuals in a large scale breast cancer association study (PMID: 33471991 (2021), see also LOVD). The frequency of this variant in the general population (Genome Aggregation Database) is uninformative in the assessment of its pathogenicity. Analysis of this variant using bioinformatics tools for the prediction of the effect of amino acid changes on protein structure and function yielded predictions that this variant is damaging. Based on the available information, we are unable to determine the clinical significance of this variant.

Baylor Genetics
Classification: Uncertain significance for Familial cancer of breast. Last evaluated: 2024-03-14. Review status: criteria provided, single submitter. Criteria: ACMG Guidelines, 2015. Collection method: clinical testing. Allele origin: unknown.

Molecular Pathology, Peter Maccallum Cancer Centre
Classification: Uncertain significance for Familial cancer of breast. Last evaluated: 2024-02-24. Review status: criteria provided, single submitter. Criteria: ACMG Guidelines, 2015. Collection method: clinical testing. Allele origin: germline. Inheritance: Autosomal dominant inheritance.

KCCC/NGS Laboratory, Kuwait Cancer Control Center
Classification: Uncertain significance for Breast-ovarian cancer, familial, susceptibility to, 5. Last evaluated: 2023-11-13. Review status: criteria provided, single submitter. Criteria: ACMG Guidelines, 2015. Collection method: clinical testing. Allele origin: germline. Inheritance: Autosomal dominant inheritance. Affected: yes. Observed: 1 heterozygote.
Comment: This sequence change replaces methionine, which is neutral and non-polar, with threonine, which is neutral and polar, at codon 1049 of the PALB2 protein (p.Met1049Thr).This amino acid position is conservative (PhyloP=5.26). This variant is present in population databases (rs138273800, gnomAD 0.004%). This missense change has been observed in individual(s) with breast cancer (PMID: 26283626, 26315354, 26580448,19609323, 24485656, 20871615). ClinVar contains an entry for this variant (Variation ID: 141785). In silico analysis supports that this missense variant has a deleterious effect on protein structure/function. In summary, the available evidence is currently insufficient to determine the role of this variant in disease. Therefore, it has been classified as a Variant of Uncertain Significance.

St. Jude Molecular Pathology, St. Jude Children's Research Hospital
Classification: Uncertain significance for Fanconi anemia complementation group N. Last evaluated: 2023-10-25. Review status: criteria provided, single submitter. Criteria: St. Jude Assertion Criteria 2020. Collection method: clinical testing. Allele origin: germline.
Comment: The PALB2 c.3146T>C (p.Met1049Thr) missense change has a maximum subpopulation frequency of 0.0056% in gnomAD v2.1.1. The in silico tool REVEL predicts a benign effect on protein function, but to our knowledge this prediction has not been confirmed by functional studies. This variant is absent in a database of women older than 70 years of age who have never had cancer (FLOSSIES). This variant has been reported in individuals with a personal and/or family history of breast cancer (PMID: 26283626, 32885271) and ovarian cancer (PMID: 26315354). To our knowledge, this variant has not been reported in individuals with Fanconi anemia. In summary, the evidence currently available is insufficient to determine the clinical significance of this variant. It has therefore been classified as of uncertain significance.

Myriad Genetics, Inc.
Classification: Likely benign for Familial cancer of breast. Last evaluated: 2023-03-31. Review status: criteria provided, single submitter. Criteria: Myriad Autosomal Dominant, Autosomal Recessive and X-Linked Classification Criteria (2023). Collection method: clinical testing. Allele origin: unknown.
Comment: This variant is considered likely benign. This variant is strongly associated with less severe personal and family histories of cancer, typical for individuals without pathogenic variants in this gene [PMID: 25085752].

Ambry Genetics
Classification: Likely benign for Hereditary cancer-predisposing syndrome. Last evaluated: 2022-08-08. Review status: criteria provided, single submitter. Criteria: Ambry Variant Classification Scheme 2023. Collection method: clinical testing. Allele origin: germline.

Fulgent Genetics
Classification: Uncertain significance for Familial cancer of breast; Fanconi anemia complementation group N; Pancreatic cancer, susceptibility to, 3. Last evaluated: 2022-05-13. Review status: criteria provided, single submitter. Criteria: ACMG Guidelines, 2015. Collection method: clinical testing. Allele origin: unknown.

Genetic Services Laboratory, University of Chicago
Classification: Uncertain significance. Last evaluated: 2019-06-28. Review status: criteria provided, single submitter. Criteria: ACMG Guidelines, 2015. Collection method: clinical testing. Allele origin: germline. Affected: no.

NM_024675.4(PALB2):c.3146T>C (p.Met1049Thr)

Gene: PALB2 (partner and localizer of BRCA2; minus strand). Cytogenetic location: 16p12.2.
Variant type: single nucleotide variant.
Coding change: c.3146T>C on transcript NM_024675.4 (MANE Select); coding-DNA position 3146, T replaced by C.
Protein change: p.Met1049Thr; replaces methionine 1049 with threonine.
Molecular consequence: missense variant.
Genome position (GRCh38, 1-based): chr16:23,614,059, A>G on the plus strand (T>C on the coding strand, the complement: PALB2 is on the minus strand). VCF-style: chr16-23614059-A-G. GRCh37 (hg19) VCF-style: chr16-23625380-A-G.
Other names: short protein forms M1049T.
Identifiers: ClinVar variation 141785 (VCV000141785.47), dbSNP rs138273800, ClinGen allele CA166426.